The following is an entry in ClinVar:

ClinVar aggregate classification (germline): Uncertain significance. Review status: criteria provided, multiple submitters, no conflicts (2 of 4 stars). 2 submissions from 2 submitters: Uncertain significance (2). Last evaluated 2025-09-30.

Conditions:
Cardiovascular phenotype. Identifiers: MedGen CN230736.
Hereditary cancer-predisposing syndrome. Also called: Tumor predisposition; Neoplastic Syndromes, Hereditary; Hereditary Cancer Syndrome; Hereditary neoplastic syndrome. Identifiers: Orphanet 140162, MedGen C0027672, MeSH D009386, MONDO:0015356.

Submissions (2):

Ambry Genetics
Classification: Uncertain significance for Cardiovascular phenotype; Hereditary cancer-predisposing syndrome. Last evaluated: 2025-09-30. Review status: criteria provided, single submitter. Criteria: Ambry Variant Classification Scheme 2023. Collection method: clinical testing. Allele origin: germline.
Comment: The c.1354_1356delAAG variant (also known as p.K452del) is located in coding exon 13 of the LZTR1 gene. This variant results from an in-frame AAG deletion at nucleotide positions 1354 to 1356. This results in the in-frame deletion of a lysine at codon 452. This amino acid position is well conserved in available vertebrate species. In addition, the in silico prediction for this alteration is inconclusive (Choi Y et al. PLoS ONE. 2012; 7(10):e46688). Based on the available evidence, the clinical significance of this variant remains unclear.

Labcorp Genetics (formerly Invitae), Labcorp
Classification: Uncertain significance. Last evaluated: 2025-03-05. Review status: criteria provided, single submitter. Criteria: Invitae Variant Classification Sherloc (09022015). Collection method: clinical testing. Allele origin: germline.
Comment: This variant, c.1354_1356del, results in the deletion of 1 amino acid(s) of the LZTR1 protein (p.Lys452del), but otherwise preserves the integrity of the reading frame. This variant is present in population databases (no rsID available, gnomAD 0.007%). This variant has not been reported in the literature in individuals affected with LZTR1-related conditions. ClinVar contains an entry for this variant (Variation ID: 2738848). Algorithms developed to predict the effect of sequence changes on RNA splicing suggest that this variant may disrupt the consensus splice site. In summary, the available evidence is currently insufficient to determine the role of this variant in disease. Therefore, it has been classified as a Variant of Uncertain Significance.

NM_006767.3(LZTR1):c.1354_1356delAAG

Gene: LZTR1 (leucine zipper like post translational regulator 1; plus strand). Cytogenetic location: 22q11.21.
Variant type: Deletion.
Coding change: c.1354_1356delAAG on transcript NM_006767.3; coding-DNA positions 1354 to 1356, 3 bases deleted (AAG).
Genome position (GRCh38, 1-based): chr22:20,993,924-20,993,926, AAG deleted; deleting any 3 consecutive bases within chr22:20,993,922-20,993,926 gives the same sequence; the c. name uses the placement nearest the transcript's 3' end. VCF-style (leftmost placement, unchanged base first): chr22-20993921-CAGA-C. GRCh37 (hg19) VCF-style: chr22-21348210-CAGA-C.
Identifiers: ClinVar variation 2738848 (VCV002738848.4), dbSNP rs1376105847, ClinGen allele CA638942815.